The following is an entry in ClinVar:

ClinVar aggregate classification (germline): Conflicting classifications of pathogenicity. Review status: criteria provided, conflicting classifications (1 of 4 stars). 3 submissions from 3 submitters: Uncertain significance (2); Likely benign (1). Last evaluated 2025-05-05.

Conditions:
Neurofibromatosis, type 1 (NF1). Also called: VON RECKLINGHAUSEN DISEASE; NEUROFIBROMATOSIS, TYPE I, SOMATIC; Peripheral type neurofibromatosis; Neurofibromatosis, type I. Identifiers: Orphanet 636, MedGen C0027831, MONDO:0018975, OMIM 162200. Disease mechanism: loss of function.

Submissions (3):

Labcorp Genetics (formerly Invitae), Labcorp
Classification: Likely benign for Neurofibromatosis, type 1. Last evaluated: 2025-05-05. Review status: criteria provided, single submitter. Criteria: Invitae Variant Classification Sherloc (09022015). Collection method: clinical testing. Allele origin: germline.

Genome-Nilou Lab
Classification: Uncertain significance for Neurofibromatosis, type 1. Last evaluated: 2022-03-15. Review status: criteria provided, single submitter. Criteria: ACMG Guidelines, 2015. Collection method: clinical testing. Allele origin: germline. Affected: no.

GeneDx
Classification: Uncertain significance. Last evaluated: 2016-06-16. Review status: criteria provided, single submitter. Criteria: GeneDx Variant Classification (06012015). Collection method: clinical testing. Allele origin: germline. Affected: yes.
Comment: This variant is denoted NF1 c.527A>G at the cDNA level, p.Asp176Gly (D176G) at the protein level, and results in the change of an Aspartic Acid to a Glycine (GAT>GGT). This variant has not, to our knowledge, been published in the literature as pathogenic or benign. NF1 Asp176Gly was not observed in approximately 6,500 individuals of European and African American ancestry in the NHLBI Exome Sequencing Project, suggesting it is not a common benign variant in these populations. Since Aspartic Acid and Glycine differ in polarity, charge, size or other properties, this is considered a non-conservative amino acid substitution. NF1 Asp176Gly occurs at a position that is conserved across species and is not located in a known functional domain (UniProt). In silico analyses are inconsistent regarding the effect this variant may have on protein structure and function. Based on currently available evidence, it is unclear whether NF1 Asp176Gly is a pathogenic or benign variant. We consider it to be a variant of uncertain significance.

NM_001042492.3(NF1):c.527A>G (p.Asp176Gly)

Gene: NF1 (neurofibromin 1; plus strand). Cytogenetic location: 17q11.2.
Variant type: single nucleotide variant.
Coding change: c.527A>G on transcript NM_001042492.3 (MANE Select); coding-DNA position 527, A replaced by G.
Protein change: p.Asp176Gly; replaces aspartic acid 176 with glycine.
Molecular consequence: missense variant.
Genome position (GRCh38, 1-based): chr17:31,169,938, A>G. VCF-style: chr17-31169938-A-G. GRCh37 (hg19) VCF-style: chr17-29496956-A-G.
Other names: c.527A>G, p.Asp176Gly (NM_000267.4, NM_001128147.3); short protein forms D176G.
Identifiers: ClinVar variation 561646 (VCV000561646.7), dbSNP rs1567820732, ClinGen allele CA398985083.